The following is an entry in ClinVar:

ClinVar aggregate classification (germline): Likely benign. Review status: criteria provided, multiple submitters, no conflicts (2 of 4 stars). 3 submissions from 3 submitters: Likely benign (3). Last evaluated 2026-04-06.

Conditions:
Atypical hemolytic-uremic syndrome. Identifiers: Orphanet 2134, MedGen C2931788, MONDO:0016244.
Complement component 3 deficiency. Identifiers: Orphanet 280133, MedGen C3151071, MONDO:0013417, OMIM 613779.
C3 glomerulonephritis. Also called: Nephropathy due to CFHR5 Deficiency; C3 GLOMERULOPATHY 3. Identifiers: Orphanet 329931, MedGen C4055342, MONDO:0013892, OMIM 614809.

Allele frequency attached by ClinVar (database versions not stated): gnomAD 0.00001 and 0.00002; ExAC 0.00002; gnomAD exomes 0.00002 and 0.00003; TOPMed 0.00004.
gnomAD v4.1: 38 of 1,612,696 alleles (0.0024%); highest among the groups gnomAD compares: Non-Finnish European, 0.0026%; 1 homozygote.

Submissions (3):

Women's Health and Genetics/Laboratory Corporation of America, LabCorp
Classification: Likely benign. Last evaluated: 2026-04-06. Review status: criteria provided, single submitter. Criteria: LabCorp Variant Classification Summary - May 2015. Collection method: clinical testing. Allele origin: germline.

Genomenon, Inc
Classification: Likely benign for Complement component 3 deficiency; C3 glomerulonephritis; Atypical hemolytic-uremic syndrome. Last evaluated: 2025-09-30. Review status: criteria provided, single submitter. Criteria: Genomenon Sequence Variant Interpretation Standards. Collection method: curation. Allele origin: germline. Affected: no.
Comment: C3 p.Cys559= (c.1677C>T) is a synonymous variant that retains Cysteine at residue 559. This variant has been reported in the published literature (PMID:25474424;30923524). This synonymous variant is not predicted to impact splicing. In conclusion, we classify C3 p.Cys559= (c.1677C>T) as a likely benign variant.

Labcorp Genetics (formerly Invitae), Labcorp
Classification: Likely benign. Last evaluated: 2025-02-24. Review status: criteria provided, single submitter. Criteria: Invitae Variant Classification Sherloc (09022015). Collection method: clinical testing. Allele origin: germline.

Literature cited by the submitters: PubMed 25474424 (cited by Genomenon, Inc); PubMed 30923524 (cited by Genomenon, Inc).

NM_000064.4(C3):c.1677C>T (p.Cys559=)

Gene: C3 (complement C3; minus strand). Cytogenetic location: 19p13.3.
Variant type: single nucleotide variant.
Coding change: c.1677C>T on transcript NM_000064.4 (MANE Select); coding-DNA position 1677, C replaced by T.
Protein change: p.Cys559=; no amino-acid change (cysteine 559 retained).
Molecular consequence: synonymous variant.
Genome position (GRCh38, 1-based): chr19:6,710,648, G>A on the plus strand (C>T on the coding strand, the complement: C3 is on the minus strand). VCF-style: chr19-6710648-G-A. GRCh37 (hg19) VCF-style: chr19-6710659-G-A.
Identifiers: ClinVar variation 1647760 (VCV001647760.10), dbSNP rs759423157, ClinGen allele CA9129384.